The following is an entry in ClinVar:

ClinVar aggregate classification (germline): Likely benign (1 of 4 stars; one submission).

Submission:

CeGaT Center for Human Genetics Tuebingen
Classification: Likely benign. Last evaluated: 2024-11-01. Review status: criteria provided, single submitter. Criteria: CeGaT Center For Human Genetics Tuebingen Variant Classification Criteria Version 2. Collection method: clinical testing. Allele origin: germline. Affected: yes. Observed: 1 variant allele.
Comment: EPOR: BP4, BP7

NM_000121.4(EPOR):c.1488C>T (p.Ala496=)

Gene: EPOR (erythropoietin receptor; minus strand). Cytogenetic location: 19p13.2.
Variant type: single nucleotide variant.
Coding change: c.1488C>T on transcript NM_000121.4 (MANE Select); coding-DNA position 1488, C replaced by T.
Protein change: p.Ala496=; no amino-acid change (alanine 496 retained).
Molecular consequence: synonymous variant. On other transcripts: non-coding transcript variant (1).
Genome position (GRCh38, 1-based): chr19:11,378,023, G>A on the plus strand (C>T on the coding strand, the complement: EPOR is on the minus strand). VCF-style: chr19-11378023-G-A. GRCh37 (hg19) VCF-style: chr19-11488699-G-A.
Identifiers: ClinVar variation 3388707 (VCV003388707.14).
Genomic context (GRCh38, chr19:11,378,023, plus strand): 5'-GATCATCTGCAGCCTGGTGTCCTAAGAGCAAGCCACATAGCTGGGGGGCAGAGGCTCAGC[G>A]GCTGGGATAAGGCTGTTCTCATAAGGGTTGGAGTAGGGGCCATCGGATAAGCCCCCTTGG-3'
Protein context (NP_000112.1, residues 486-506): SNPYENSLIP[Ala496=]AEPLPPSYVA